The following is an entry in ClinVar:

NM_015047.3(EMC1):c.2936C>T (p.Thr979Ile)

Genes: EMC1 (ER membrane protein complex subunit 1; minus strand), EMC1-AS1 (EMC1 antisense RNA 1; plus strand). Cytogenetic location: 1p36.13.
Variant type: single nucleotide variant.
Coding change: c.2936C>T on transcript NM_015047.3 (MANE Select); coding-DNA position 2936, C replaced by T.
Protein change: p.Thr979Ile; replaces threonine 979 with isoleucine.
Molecular consequence: missense variant.
Genome position (GRCh38, 1-based): chr1:19,219,349, G>A on the plus strand (C>T on the coding strand, the complement: EMC1 is on the minus strand). VCF-style: chr1-19219349-G-A. GRCh37 (hg19) VCF-style: chr1-19545843-G-A.
Other names: c.2936C>T (NM_015047.1); c.2933C>T, p.Thr978Ile (NM_001271427.2, NM_001271428.2); c.2870C>T, p.Thr957Ile (NM_001271429.2); c.2945C>T, p.Thr982Ile (NM_001375820.1); c.2942C>T, p.Thr981Ile (NM_001375821.1); short protein forms T957I, T978I, T979I, T981I, T982I.
Identifiers: ClinVar variation 1720876 (VCV001720876.6), dbSNP rs770471010, ClinGen allele CA652113.
Genomic context (GRCh38, chr1:19,219,349, plus strand): 5'-ACAGTCTTTGTTCTTTATCGCCAGGCCCGATTCAGGAGCTTCACCTGTGCCAGTCTCTTA[G>A]TGATCATGGTGGCAAAAACCAGGCCAAAGAGGACGCTGCTGATTAACACGTAGTCATAGT-3'
Protein context (NP_055862.1, residues 969-989): LFGLVFATMI[Thr979Ile]KRLAQVKLLN

ClinVar aggregate classification (germline): Uncertain significance. Review status: criteria provided, multiple submitters, no conflicts (2 of 4 stars). 2 submissions from 2 submitters: Uncertain significance (2). Last evaluated 2024-11-28.

Conditions:
Inborn genetic diseases. Identifiers: MedGen C0950123, MeSH D030342.

Allele frequency attached by ClinVar (database versions not stated): gnomAD exomes below 0.00001; ExAC 0.00001.
gnomAD v4.1: 1 of 1,614,080 alleles (0.000062%); highest among the groups gnomAD compares: Admixed American, 0.0017%; no homozygotes.

Submissions (2):

Ambry Genetics
Classification: Uncertain significance for Inborn genetic diseases. Last evaluated: 2024-11-28. Review status: criteria provided, single submitter. Criteria: Ambry Variant Classification Scheme 2023. Collection method: clinical testing. Allele origin: germline.

Labcorp Genetics (formerly Invitae), Labcorp
Classification: Uncertain significance. Last evaluated: 2023-05-23. Review status: criteria provided, single submitter. Criteria: Invitae Variant Classification Sherloc (09022015). Collection method: clinical testing. Allele origin: germline.
Comment: Advanced modeling of protein sequence and biophysical properties (such as structural, functional, and spatial information, amino acid conservation, physicochemical variation, residue mobility, and thermodynamic stability) performed at Invitae indicates that this missense variant is expected to disrupt EMC1 protein function. ClinVar contains an entry for this variant (Variation ID: 1720876). This variant has not been reported in the literature in individuals affected with EMC1-related conditions. This variant is present in population databases (rs770471010, gnomAD 0.003%). This sequence change replaces threonine, which is neutral and polar, with isoleucine, which is neutral and non-polar, at codon 979 of the EMC1 protein (p.Thr979Ile). In summary, the available evidence is currently insufficient to determine the role of this variant in disease. Therefore, it has been classified as a Variant of Uncertain Significance.